The following is an entry in ClinVar:

ClinVar aggregate classification (germline): Uncertain significance. Review status: criteria provided, multiple submitters, no conflicts (2 of 4 stars). 2 submissions from 2 submitters: Uncertain significance (2). Last evaluated 2024-10-04.

Conditions:
Retinitis pigmentosa 12 (RP12). Also called: RP WITH OR WITHOUT PPRPE; RP WITH OR WITHOUT PRESERVED PARAARTERIOLE RETINAL PIGMENT EPITHELIUM; RETINITIS PIGMENTOSA WITH OR WITHOUT PARAARTERIOLAR PRESERVATION OF RETINAL PIGMENT EPITHELIUM. Identifiers: Orphanet 791, MedGen C1838647, MONDO:0010818, OMIM 600105.
Leber congenital amaurosis 8 (LCA8). Identifiers: Orphanet 65, MedGen C3151202, MONDO:0013453, OMIM 613835.
Inborn genetic diseases. Identifiers: MedGen C0950123, MeSH D030342.

Allele frequency attached by ClinVar (database versions not stated): gnomAD exomes below 0.00001; TOPMed 0.00003; gnomAD 0.00004.
gnomAD v4.1: 8 of 1,613,686 alleles (0.0005%); highest among the groups gnomAD compares: African/African-American, 0.011%; no homozygotes.

Submissions (2):

Ambry Genetics
Classification: Uncertain significance for Inborn genetic diseases. Last evaluated: 2024-10-04. Review status: criteria provided, single submitter. Criteria: Ambry Variant Classification Scheme 2023. Collection method: clinical testing. Allele origin: germline.

Labcorp Genetics (formerly Invitae), Labcorp
Classification: Uncertain significance for Leber congenital amaurosis 8; Retinitis pigmentosa 12. Last evaluated: 2022-03-10. Review status: criteria provided, single submitter. Criteria: Invitae Variant Classification Sherloc (09022015). Collection method: clinical testing. Allele origin: germline.
Comment: This sequence change replaces leucine, which is neutral and non-polar, with phenylalanine, which is neutral and non-polar, at codon 999 of the CRB1 protein (p.Leu999Phe). This variant is present in population databases (no rsID available, gnomAD 0.008%). This variant has not been reported in the literature in individuals affected with CRB1-related conditions. Advanced modeling of protein sequence and biophysical properties (such as structural, functional, and spatial information, amino acid conservation, physicochemical variation, residue mobility, and thermodynamic stability) performed at Invitae indicates that this missense variant is not expected to disrupt CRB1 protein function. In summary, the available evidence is currently insufficient to determine the role of this variant in disease. Therefore, it has been classified as a Variant of Uncertain Significance.

NM_201253.3(CRB1):c.2995C>T (p.Leu999Phe)

Gene: CRB1 (crumbs cell polarity complex component 1; plus strand). Cytogenetic location: 1q31.3.
Variant type: single nucleotide variant.
Coding change: c.2995C>T on transcript NM_201253.3 (MANE Select); coding-DNA position 2995, C replaced by T.
Protein change: p.Leu999Phe; replaces leucine 999 with phenylalanine.
Molecular consequence: missense variant. On other transcripts: non-coding transcript variant (2), intron variant (1).
Genome position (GRCh38, 1-based): chr1:197,434,858, C>T. VCF-style: chr1-197434858-C-T. GRCh37 (hg19) VCF-style: chr1-197403988-C-T.
Other names: c.2659C>T, p.Leu887Phe (NM_001193640.2); c.2923C>T, p.Leu975Phe (NM_001257965.2); c.2129-742C>T (NM_001257966.2); c.2995C>T (NM_201253.2); short protein forms L999F, L887F, L975F.
Identifiers: ClinVar variation 1371149 (VCV001371149.6), dbSNP rs983449864, ClinGen allele CA35906752.